The following is an entry in ClinVar:

NM_000443.4(ABCB4):c.3253_3271del (p.Phe1085fs)

Gene: ABCB4 (ATP binding cassette subfamily B member 4; minus strand). Cytogenetic location: 7q21.12.
Variant type: Deletion.
Coding change: c.3253_3271del on transcript NM_000443.4 (MANE Select); coding-DNA positions 3253 to 3271, 19 bases deleted (TTCTACGACCCCTTGGCGG).
Protein change: p.Phe1085fs; shifts the reading frame from phenylalanine 1085.
Molecular consequence: frameshift variant.
Genome position (GRCh38, 1-based): chr7:87,408,045-87,408,063, CCGCCAAGGGGTCGTAGAA deleted on the plus strand (TTCTACGACCCCTTGGCGG on the coding strand, the reverse complement: ABCB4 is on the minus strand); deleting any 19 consecutive bases within chr7:87,408,045-87,408,067 gives the same sequence; the c. name uses the placement nearest the transcript's 3' end. VCF-style (leftmost placement, unchanged base first): chr7-87408044-CCCGCCAAGGGGTCGTAGAA-C. GRCh37 (hg19) VCF-style: chr7-87037360-CCCGCCAAGGGGTCGTAGAA-C.
Other names: c.3253_3271del, p.Phe1085fs (NM_018849.3); c.3112_3130del, p.Phe1038fs (NM_018850.3); short protein forms F1038fs, F1085fs.
Identifiers: ClinVar variation 4886934 (VCV004886934.1).
Genomic context (GRCh38, chr7:87,408,044, plus strand): 5'-GTTGGGCCAATTAAAATATAGCCTTCAATCAAGTTATAAGGAAATGTGCTCACCACTGTC[CCCGCCAAGGGGTCGTAGAA>C]CCGCTCCAGGAGCTGGACCACCGTGCTCTTCCCACAGCCACTGCTGCCCACCAGGGCTAG-3'

ClinVar aggregate classification (germline): Likely pathogenic (1 of 4 stars; one submission).

Conditions:
Low phospholipid associated cholelithiasis (GBD1). Also called: Gallstone cholecystitis; Gallbladder disease 1. Identifiers: Orphanet 69663, MedGen C2609268, MONDO:0010939, OMIM 600803.

Submission:

Molecular Genetics Laboratory, CHU Lille
Classification: Likely pathogenic for Low phospholipid associated cholelithiasis. Last evaluated: 2026-08-19. Review status: criteria provided, single submitter. Criteria: ACMG Guidelines, 2015. Collection method: clinical testing. Allele origin: germline. Affected: yes.
Comment: This variant creates a premature translational stop signal (Phe1085GlyfsTer62) in the ABCB4 gene and likely results in an absent or disrupted protein product. This variant is not present in population databases including gnomAD. In summary, this variant meets the criteria to be classified as pathogenic for ABCB4-related disease based on the applied ACMG/AMP guidelines (PVS1, PM2).